The following is an entry in ClinVar:

ClinVar aggregate classification (germline): Likely pathogenic. Review status: criteria provided, multiple submitters, no conflicts (2 of 4 stars). 2 submissions from 2 submitters: Likely pathogenic (2). Last evaluated 2023-05-03.

Conditions:
Familial adenomatous polyposis 1 (FAP1). Also called: FAMILIAL ADENOMATOUS POLYPOSIS 1, ATTENUATED; POLYPOSIS, ADENOMATOUS INTESTINAL. Identifiers: MedGen C2713442, MONDO:0021056, OMIM 175100. Disease mechanism: loss of function.

Allele frequency attached by ClinVar (database versions not stated): gnomAD exomes below 0.00001.
gnomAD v4.1: 1 of 1,610,742 alleles (0.000062%); highest among the groups gnomAD compares: Non-Finnish European, 0.000085%; no homozygotes.

Submissions (2):

Myriad Genetics, Inc.
Classification: Likely pathogenic for Familial adenomatous polyposis 1. Last evaluated: 2023-05-03. Review status: criteria provided, single submitter. Criteria: Myriad Autosomal Dominant, Autosomal Recessive and X-Linked Classification Criteria (2023). Collection method: clinical testing. Allele origin: unknown.
Comment: This variant is considered likely pathogenic. This variant occurs within a consensus splice junction and is predicted to result in abnormal mRNA splicing of either an out-of-frame exon or an in-frame exon necessary for protein stability and/or normal function.

Labcorp Genetics (formerly Invitae), Labcorp
Classification: Likely pathogenic for Familial adenomatous polyposis 1. Last evaluated: 2022-11-15. Review status: criteria provided, single submitter. Criteria: Invitae Variant Classification Sherloc (09022015). Collection method: clinical testing. Allele origin: germline.
Comment: This sequence change affects an acceptor splice site in intron 15 of the APC gene. RNA analysis indicates that disruption of this splice site induces altered splicing and likely results in the loss of 4 amino acid residue(s), but is expected to preserve the integrity of the reading-frame. This variant is not present in population databases (gnomAD no frequency). Disruption of this splice site has been observed in individuals with familial adenomatous polyposis and attenuated familial adenomatous polyposis (PMID: 15459959, 20685668; Invitae). ClinVar contains an entry for this variant (Variation ID: 1524411). Variants that disrupt the consensus splice site are a relatively common cause of aberrant splicing (PMID: 17576681, 9536098). Studies have shown that disruption of this splice site results in the activation of a cryptic splice site in exon 16 (Invitae). In summary, the currently available evidence indicates that the variant is pathogenic, but additional data are needed to prove that conclusively. Therefore, this variant has been classified as Likely Pathogenic.

Literature cited by the submitters: PubMed 15459959 (cited by Labcorp Genetics (formerly Invitae), Labcorp); PubMed 20685668 (cited by Labcorp Genetics (formerly Invitae), Labcorp); PubMed 17576681 (cited by Labcorp Genetics (formerly Invitae), Labcorp); PubMed 9536098 (cited by Labcorp Genetics (formerly Invitae), Labcorp).

NM_000038.6(APC):c.1959-1G>C

Gene: APC (APC regulator of Wnt signaling pathway; plus strand). Cytogenetic location: 5q22.2.
Variant type: single nucleotide variant.
Coding change: c.1959-1G>C on transcript NM_000038.6 (MANE Select); the canonical splice acceptor site of the intron before coding-DNA position 1959, G replaced by C.
Molecular consequence: splice acceptor variant.
Genome position (GRCh38, 1-based): chr5:112,837,552, G>C. VCF-style: chr5-112837552-G-C. GRCh37 (hg19) VCF-style: chr5-112173249-G-C.
Other names: c.1110-1G>C (NM_001407470.1, NM_001354906.2); c.807-1G>C (NM_001407472.1, NM_001407471.1); c.2013-1G>C (NM_001407447.1, NM_001407448.1, NM_001407449.1 and 1 more transcripts); c.1959-1G>C (NM_001354895.2, NM_001407450.1, NM_001127510.3); c.1710-1G>C (NM_001407456.1, NM_001407457.1, NM_001407455.1 and 1 more transcripts); c.1656-1G>C (NM_001407460.1, NM_001407458.1, NM_001407459.1 and 1 more transcripts); c.1929-1G>C (NM_001407452.1); c.1572-1G>C (NM_001407469.1, NM_001407467.1); and 11 more.
Identifiers: ClinVar variation 1524411 (VCV001524411.8), dbSNP rs863225321, ClinGen allele CA360714773.